The following is an entry in ClinVar:

ClinVar aggregate classification (germline): Pathogenic. Review status: criteria provided, multiple submitters, no conflicts (2 of 4 stars). 2 submissions from 2 submitters: Pathogenic (2). Last evaluated 2019-08-13.

Conditions:
Inborn genetic diseases. Identifiers: MedGen C0950123, MeSH D030342.

Submissions (2):

GeneDx
Classification: Pathogenic. Last evaluated: 2019-08-13. Review status: criteria provided, single submitter. Criteria: GeneDx Variant Classification Process June 2021. Collection method: clinical testing. Allele origin: germline. Affected: yes.
Comment: Identified in multiple unrelated individuals with SATB2-related clinical features referred for genetic testing at GeneDx and in published literature (Zarate et al., 2019); Nonsense variant predicted to result in protein truncation or nonsense mediated decay in a gene for which loss-of-function is a known mechanism of disease; Not observed in large population cohorts (Lek et al., 2016); This variant is associated with the following publications: (PMID: 31021519)

Ambry Genetics
Classification: Pathogenic for Inborn genetic diseases. Last evaluated: 2016-11-10. Review status: criteria provided, single submitter. Criteria: Ambry exome assertion method (8-5-2015). Collection method: clinical testing. Allele origin: germline. Affected: yes. Observed: 1 variant allele.

NM_001172509.2(SATB2):c.868C>T (p.Gln290Ter)

Gene: SATB2 (SATB homeobox 2; minus strand). Cytogenetic location: 2q33.1.
Variant type: single nucleotide variant.
Coding change: c.868C>T on transcript NM_001172509.2 (MANE Select); coding-DNA position 868, C replaced by T.
Protein change: p.Gln290Ter; replaces glutamine 290 with a stop codon.
Molecular consequence: nonsense.
Genome position (GRCh38, 1-based): chr2:199,349,006, G>A on the plus strand (C>T on the coding strand, the complement: SATB2 is on the minus strand). VCF-style: chr2-199349006-G-A. GRCh37 (hg19) VCF-style: chr2-200213729-G-A.
Other names: c.868C>T, p.Gln290Ter (NM_001172517.1, NM_015265.4); short protein forms Q290*.
Identifiers: ClinVar variation 373586 (VCV000373586.6), dbSNP rs1057518496, ClinGen allele CA16042461.